The following is an entry in ClinVar:

ClinVar aggregate classification (germline): Uncertain significance (1 of 4 stars; one submission).

Allele frequency attached by ClinVar (database versions not stated): gnomAD exomes below 0.00001; TOPMed below 0.00001.
gnomAD v4.1: 3 of 1,614,098 alleles (0.00019%); highest among the groups gnomAD compares: South Asian, 0.0011%; no homozygotes.

Submission:

GeneDx
Classification: Uncertain significance. Last evaluated: 2023-02-15. Review status: criteria provided, single submitter. Criteria: GeneDx Variant Classification Process June 2021. Collection method: clinical testing. Allele origin: germline. Affected: yes.
Comment: Not observed at significant frequency in large population cohorts (gnomAD); In silico analysis supports that this missense variant does not alter protein structure/function; Has not been previously published as pathogenic or benign to our knowledge

NM_005499.3(UBA2):c.1370A>G (p.His457Arg)

Gene: UBA2 (ubiquitin like modifier activating enzyme 2; plus strand). Cytogenetic location: 19q13.11.
Variant type: single nucleotide variant.
Coding change: c.1370A>G on transcript NM_005499.3 (MANE Select); coding-DNA position 1370, A replaced by G.
Protein change: p.His457Arg; replaces histidine 457 with arginine.
Molecular consequence: missense variant.
Genome position (GRCh38, 1-based): chr19:34,458,893, A>G. VCF-style: chr19-34458893-A-G. GRCh37 (hg19) VCF-style: chr19-34949798-A-G.
Other names: c.1082A>G, p.His361Arg (NM_001411139.1); short protein forms H361R, H457R.
Identifiers: ClinVar variation 2576680 (VCV002576680.1), dbSNP rs1303773127, ClinGen allele CA405257716.
Genomic context (GRCh38, chr19:34,458,893, plus strand): 5'-CCAACCCCAATTGTTATGTATGTGCCAGCAAGCCAGAGGTGACTGTGCGGCTGAATGTCC[A>G]TAAAGTGACTGTTCTCACCTTACAAGACAAGGTCAGTGCAAGGCCTGGGTCTCTTTTCCT-3'
Protein context (NP_005490.1, residues 447-467): KPEVTVRLNV[His457Arg]KVTVLTLQDK